The following is an entry in ClinVar:

NM_177924.5(ASAH1):c.142C>T (p.Pro48Ser)

Gene: ASAH1 (N-acylsphingosine amidohydrolase 1; minus strand). Cytogenetic location: 8p22.
Variant type: single nucleotide variant.
Coding change: c.142C>T on transcript NM_177924.5 (MANE Select); coding-DNA position 142, C replaced by T.
Protein change: p.Pro48Ser; replaces proline 48 with serine.
Molecular consequence: missense variant. On other transcripts: 5 prime UTR variant (1).
Genome position (GRCh38, 1-based): chr8:18,071,374, G>A on the plus strand (C>T on the coding strand, the complement: ASAH1 is on the minus strand). VCF-style: chr8-18071374-G-A. GRCh37 (hg19) VCF-style: chr8-17928883-G-A.
Other names: c.211C>T, p.Pro71Ser (NM_001127505.3); c.-54C>T (NM_001363743.2); c.190C>T, p.Pro64Ser (NM_004315.6); short protein forms P64S, P71S, P48S.
Identifiers: ClinVar variation 691800 (VCV000691800.4), dbSNP rs779356185, ClinGen allele CA4651004.

ClinVar aggregate classification (germline): Uncertain significance. Review status: criteria provided, multiple submitters, no conflicts (2 of 4 stars). 2 submissions from 2 submitters: Uncertain significance (2). Last evaluated 2021-11-18.

Allele frequency attached by ClinVar (database versions not stated): gnomAD below 0.00001 and 0.00003; TOPMed 0.00001.
gnomAD v4.1: 47 of 1,596,406 alleles (0.0029%); highest among the groups gnomAD compares: South Asian, 0.047%; no homozygotes.

Submissions (2):

Labcorp Genetics (formerly Invitae), Labcorp
Classification: Uncertain significance. Last evaluated: 2021-11-18. Review status: criteria provided, single submitter. Criteria: Invitae Variant Classification Sherloc (09022015). Collection method: clinical testing. Allele origin: germline.
Comment: This sequence change replaces proline, which is neutral and non-polar, with serine, which is neutral and polar, at codon 48 of the ASAH1 protein (p.Pro48Ser). This variant is present in population databases (rs779356185, gnomAD 0.05%). This variant has not been reported in the literature in individuals affected with ASAH1-related conditions. ClinVar contains an entry for this variant (Variation ID: 691800). Algorithms developed to predict the effect of missense changes on protein structure and function (SIFT, PolyPhen-2, Align-GVGD) all suggest that this variant is likely to be tolerated. In summary, the available evidence is currently insufficient to determine the role of this variant in disease. Therefore, it has been classified as a Variant of Uncertain Significance.

GeneDx
Classification: Uncertain significance. Last evaluated: 2018-04-11. Review status: criteria provided, single submitter. Criteria: GeneDx Variant Classification (06012015). Collection method: clinical testing. Allele origin: germline. Affected: yes.
Comment: The P48S variant has not been published as a pathogenic variant, nor has it been reported as a benign variant to our knowledge. The P48S variant is observed in 14/28458 (0.05%) alleles from individuals of South Asian background in large population cohorts (Lek et al., 2016). The P48S variant is a non-conservative amino acid substitution, which is likely to impact secondary protein structure as these residues differ in polarity, charge, size and/or other properties. In-silico analyses, including protein predictors and evolutionary conservation, support a deleterious effect. Therefore, based on the currently available information, it is unclear whether this variant is a pathogenic variant or a rare benign variant.